The following is an entry in ClinVar:

ClinVar aggregate classification (germline): Pathogenic (1 of 4 stars; one submission).

Conditions:
Dilated cardiomyopathy 1DD (CMD1DD). Identifiers: Orphanet 154, MedGen C2750995, MONDO:0013168, OMIM 613172.

Submission:

Labcorp Genetics (formerly Invitae), Labcorp
Classification: Pathogenic for Dilated cardiomyopathy 1DD. Last evaluated: 2025-11-21. Review status: criteria provided, single submitter. Criteria: Invitae Variant Classification Sherloc (09022015). Collection method: clinical testing. Allele origin: germline.
Comment: This sequence change creates a premature translational stop signal (p.Pro1105Argfs*9) in the RBM20 gene. It is expected to result in an absent or disrupted protein product. Loss-of-function variants in RBM20 are known to be pathogenic (PMID: 20590677, 22004663, 38288598, 38510713, 40339755). This variant is not present in population databases (gnomAD no frequency). This variant has not been reported in the literature in individuals affected with RBM20-related conditions. For these reasons, this variant has been classified as Pathogenic.

Literature cited by the submitters: PubMed 20590677; PubMed 22004663; PubMed 38288598; PubMed 38510713; PubMed 40339755.

NM_001134363.3(RBM20):c.3314del (p.Pro1105fs)

Gene: RBM20 (RNA binding motif protein 20; plus strand). Cytogenetic location: 10q25.2.
Variant type: Deletion.
Coding change: c.3314del on transcript NM_001134363.3 (MANE Select); coding-DNA position 3314, one base deleted (C; older notation c.3314delC).
Protein change: p.Pro1105fs; shifts the reading frame from proline 1105.
Molecular consequence: frameshift variant.
Genome position (GRCh38, 1-based): chr10:110,821,933, C deleted; the last of 4 consecutive C bases (chr10:110,821,930-110,821,933); deleting any one gives the same sequence. VCF-style (leftmost placement, unchanged base first): chr10-110821929-AC-A. GRCh37 (hg19) VCF-style: chr10-112581687-AC-A.
Other names: short protein forms P1105fs.
Identifiers: ClinVar variation 4811678 (VCV004811678.1).